The following is an entry in ClinVar:

ClinVar aggregate classification (germline): Uncertain significance. Review status: criteria provided, multiple submitters, no conflicts (2 of 4 stars). 2 submissions from 2 submitters: Uncertain significance (2). Last evaluated 2026-01-05.

Conditions:
Inborn genetic diseases. Identifiers: MedGen C0950123, MeSH D030342.
Pitt-Hopkins-like syndrome 2 (PTHSL2). Identifiers: Orphanet 221150, Orphanet 600663, MedGen C3280479, MONDO:0013690, OMIM 614325.

Allele frequency attached by ClinVar (database versions not stated): gnomAD 0.00001; gnomAD exomes 0.00001 and 0.00002; ExAC 0.00002; TOPMed 0.00002.
gnomAD v4.1: 29 of 1,595,096 alleles (0.0018%); highest among the groups gnomAD compares: Non-Finnish European, 0.0022%; no homozygotes.

Submissions (2):

Labcorp Genetics (formerly Invitae), Labcorp
Classification: Uncertain significance for Pitt-Hopkins-like syndrome 2. Last evaluated: 2026-01-05. Review status: criteria provided, single submitter. Criteria: Invitae Variant Classification Sherloc (09022015). Collection method: clinical testing. Allele origin: germline.
Comment: This sequence change replaces alanine, which is neutral and non-polar, with threonine, which is neutral and polar, at codon 285 of the NRXN1 protein (p.Ala285Thr). The frequency data for this variant in the population databases is considered unreliable, as metrics indicate poor data quality at this position in the gnomAD database. This variant has not been reported in the literature in individuals affected with NRXN1-related conditions. ClinVar contains an entry for this variant (Variation ID: 1423601). An algorithm developed to predict the effect of missense changes on protein structure and function (PolyPhen-2) suggests that this variant is likely to be tolerated. In summary, the available evidence is currently insufficient to determine the role of this variant in disease. Therefore, it has been classified as a Variant of Uncertain Significance.

Ambry Genetics
Classification: Uncertain significance for Inborn genetic diseases. Last evaluated: 2022-11-08. Review status: criteria provided, single submitter. Criteria: Ambry Variant Classification Scheme 2023. Collection method: clinical testing. Allele origin: germline.

NM_001330078.2(NRXN1):c.772+1113G>A

Gene: NRXN1 (neurexin 1; minus strand). Cytogenetic location: 2p16.3.
Variant type: single nucleotide variant.
Coding change: c.772+1113G>A on transcript NM_001330078.2 (MANE Select); 1113 bases into the intron after coding-DNA position 772, G replaced by A.
Molecular consequence: intron variant. On other transcripts: missense variant (1).
Genome position (GRCh38, 1-based): chr2:51,026,389, C>T on the plus strand (G>A on the coding strand, the complement: NRXN1 is on the minus strand). VCF-style: chr2-51026389-C-T. GRCh37 (hg19) VCF-style: chr2-51253527-C-T.
Other names: c.853G>A, p.Ala285Thr (NM_001135659.3); c.772+1113G>A (NM_001330096.2, NM_001330087.2, NM_001330083.2 and 14 more transcripts); c.853G>A (NM_001135659.1); short protein forms A285T.
Identifiers: ClinVar variation 1423601 (VCV001423601.7), dbSNP rs747588143, ClinGen allele CA1655383.